The following is an entry in ClinVar:

ClinVar aggregate classification (germline): Uncertain significance (1 of 4 stars; one submission).

gnomAD v4.1: 1 of 1,614,000 alleles (0.000062%); highest among the groups gnomAD compares: Non-Finnish European, 0.000085%; no homozygotes.

Submission:

Labcorp Genetics (formerly Invitae), Labcorp
Classification: Uncertain significance. Last evaluated: 2022-08-24. Review status: criteria provided, single submitter. Criteria: Invitae Variant Classification Sherloc (09022015). Collection method: clinical testing. Allele origin: germline.
Comment: In summary, the available evidence is currently insufficient to determine the role of this variant in disease. Therefore, it has been classified as a Variant of Uncertain Significance. Algorithms developed to predict the effect of missense changes on protein structure and function are either unavailable or do not agree on the potential impact of this missense change (SIFT: "Deleterious"; PolyPhen-2: "Possibly Damaging"; Align-GVGD: "Class C0"). This variant has not been reported in the literature in individuals affected with SON-related conditions. This variant is not present in population databases (gnomAD no frequency). This sequence change replaces leucine, which is neutral and non-polar, with valine, which is neutral and non-polar, at codon 1496 of the SON protein (p.Leu1496Val).

NM_138927.4(SON):c.4486C>G (p.Leu1496Val)

Gene: SON (SON DNA and RNA binding protein; plus strand). Cytogenetic location: 21q22.11.
Variant type: single nucleotide variant.
Coding change: c.4486C>G on transcript NM_138927.4 (MANE Select); coding-DNA position 4486, C replaced by G.
Protein change: p.Leu1496Val; replaces leucine 1496 with valine.
Molecular consequence: missense variant. On other transcripts: non-coding transcript variant (1), intron variant (1).
Genome position (GRCh38, 1-based): chr21:33,553,717, C>G. VCF-style: chr21-33553717-C-G. GRCh37 (hg19) VCF-style: chr21-34926023-C-G.
Other names: c.4486C>G, p.Leu1496Val (NM_001291411.2, NM_001412133.1, NM_032195.3 and 2 more transcripts); c.245-3439C>G (NM_001291412.3); short protein forms L1496V.
Identifiers: ClinVar variation 1997583 (VCV001997583.4), dbSNP rs746066048, ClinGen allele CA410162722.
Genomic context (GRCh38, chr21:33,553,717, plus strand): 5'-TCTAGTATCATGTCATCACATGTTATGAAAGGAATTAATCTATCCTCTGGTGATCAAAAT[C>G]TTGCTCCAGAGATTGGCATGCAGGAGATTGCATTGCATTCAGGTGAAGAACCACATGCTG-3'
Protein context (NP_620305.3, residues 1486-1506): GINLSSGDQN[Leu1496Val]APEIGMQEIA